The following is an entry in ClinVar:

NM_020975.6(RET):c.227A>G (p.Tyr76Cys)

Gene: RET (ret proto-oncogene; plus strand). Cytogenetic location: 10q11.21.
Variant type: single nucleotide variant.
Coding change: c.227A>G on transcript NM_020975.6 (MANE Select); coding-DNA position 227, A replaced by G.
Protein change: p.Tyr76Cys; replaces tyrosine 76 with cysteine.
Molecular consequence: missense variant. On other transcripts: intron variant (4).
Genome position (GRCh38, 1-based): chr10:43,100,612, A>G. VCF-style: chr10-43100612-A-G. GRCh37 (hg19) VCF-style: chr10-43596060-A-G.
Other names: p.Tyr76Cys; c.227A>G, p.Tyr76Cys (NM_001406743.1, NM_001406744.1, NM_001406759.1 and 32 more transcripts); c.74-8419A>G (NM_001406784.1); c.74-11487A>G (NM_001406794.1, NM_001406792.1, NM_001406793.1); short protein forms Y76C.
Identifiers: ClinVar variation 4541537 (VCV004541537.1).

ClinVar aggregate classification (germline): Uncertain significance (1 of 4 stars; one submission).

Submission:

Mayo Clinic Laboratories, Mayo Clinic
Classification: Uncertain significance. Last evaluated: 2025-05-28. Review status: criteria provided, single submitter. Criteria: ACMG Guidelines, 2015. Collection method: clinical testing. Allele origin: germline. Observed: 1 variant allele.
Comment: BP4